The following is an entry in ClinVar:

NM_014053.4(FLVCR1):c.*788C>T

Gene: FLVCR1 (FLVCR choline and heme transporter 1; plus strand). Cytogenetic location: 1q32.3.
Variant type: single nucleotide variant.
Coding change: c.*788C>T on transcript NM_014053.4 (MANE Select); 788 bases downstream of the stop codon, C replaced by T.
Molecular consequence: 3 prime UTR variant.
Genome position (GRCh38, 1-based): chr1:212,896,078, C>T. VCF-style: chr1-212896078-C-T. GRCh37 (hg19) VCF-style: chr1-213069420-C-T.
Identifiers: ClinVar variation 295341 (VCV000295341.6), dbSNP rs6670064, ClinGen allele CA10609792.

ClinVar aggregate classification (germline): Benign. Review status: criteria provided, multiple submitters, no conflicts (2 of 4 stars). 2 submissions from 2 submitters: Benign (2). Last evaluated 2018-01-13.

Conditions:
Posterior column ataxia-retinitis pigmentosa syndrome (RETSNS). Also called: RETINOPATHY-SENSORY NEUROPATHY SYNDROME. Identifiers: Orphanet 88628, MedGen C1836916, MONDO:0012177, OMIM 609033.

Allele frequency attached by ClinVar (database versions not stated): 1000 Genomes Project 30x 0.34697; 1000 Genomes Project 0.35883; gnomAD 0.36556 and 0.37080; TOPMed 0.34063.

Submissions (2):

Illumina Laboratory Services, Illumina
Classification: Benign for Posterior column ataxia-retinitis pigmentosa syndrome. Last evaluated: 2018-01-13. Review status: criteria provided, single submitter. Criteria: ICSL Variant Classification Criteria 13 December 2019. Collection method: clinical testing. Allele origin: germline.
Comment: This variant was observed in the ICSL laboratory as part of a predisposition screen in an ostensibly healthy population. It had not been previously curated by ICSL or reported in the Human Gene Mutation Database (HGMD: prior to June 1st, 2018), and was therefore a candidate for classification through an automated scoring system. Utilizing variant allele frequency, disease prevalence and penetrance estimates, and inheritance mode, an automated score was calculated to assess if this variant is too frequent to cause the disease. Based on the score and internal cut-off values, a variant classified as benign is not then subjected to further curation. The score for this variant resulted in a classification of benign for this disease.

Breakthrough Genomics
Classification: Benign. Review status: criteria provided, single submitter. Criteria: ACMG Guidelines, 2015. Collection method: not provided. Allele origin: germline. Inheritance: Autosomal recessive inheritance. Affected: yes.